The following is an entry in ClinVar:

ClinVar aggregate classification (germline): Benign/Likely benign. Review status: criteria provided, multiple submitters, no conflicts (2 of 4 stars). 3 submissions from 3 submitters: Benign (1); Likely benign (2). Last evaluated 2025-12-29.

Conditions:
Hereditary cancer-predisposing syndrome. Also called: Hereditary Cancer Syndrome; Neoplastic Syndromes, Hereditary; Hereditary neoplastic syndrome; Tumor predisposition. Identifiers: Orphanet 140162, MedGen C0027672, MeSH D009386, MONDO:0015356.
Familial adenomatous polyposis 1 (FAP1). Also called: POLYPOSIS, ADENOMATOUS INTESTINAL; FAMILIAL ADENOMATOUS POLYPOSIS 1, ATTENUATED. Identifiers: MedGen C2713442, MONDO:0021056, OMIM 175100. Disease mechanism: loss of function.

Allele frequency attached by ClinVar (database versions not stated): gnomAD exomes below 0.00001; ExAC 0.00001.

Submissions (3):

Labcorp Genetics (formerly Invitae), Labcorp
Classification: Likely benign for Familial adenomatous polyposis 1. Last evaluated: 2025-12-29. Review status: criteria provided, single submitter. Criteria: Invitae Variant Classification Sherloc (09022015). Collection method: clinical testing. Allele origin: germline.

Myriad Genetics, Inc.
Classification: Benign for Familial adenomatous polyposis 1. Last evaluated: 2024-04-05. Review status: criteria provided, single submitter. Criteria: Myriad Autosomal Dominant, Autosomal Recessive and X-Linked Classification Criteria (2023). Collection method: clinical testing. Allele origin: unknown.
Comment: This variant is considered benign. This variant is a silent/synonymous amino acid change and it is not expected to impact splicing.

Ambry Genetics
Classification: Likely benign for Hereditary cancer-predisposing syndrome. Last evaluated: 2022-05-02. Review status: criteria provided, single submitter. Criteria: Ambry Variant Classification Scheme 2023. Collection method: clinical testing. Allele origin: germline.

NM_000038.6(APC):c.6537A>G (p.Lys2179=)

Gene: APC (APC regulator of Wnt signaling pathway; plus strand). Cytogenetic location: 5q22.2.
Variant type: single nucleotide variant.
Coding change: c.6537A>G on transcript NM_000038.6 (MANE Select); coding-DNA position 6537, A replaced by G.
Protein change: p.Lys2179=; no amino-acid change (lysine 2179 retained).
Molecular consequence: synonymous variant.
Genome position (GRCh38, 1-based): chr5:112,842,131, A>G. VCF-style: chr5-112842131-A-G. GRCh37 (hg19) VCF-style: chr5-112177828-A-G.
Other names: c.6537A>G, p.Lys2179= (NM_001127510.3, NM_001354895.2); c.6483A>G, p.Lys2161= (NM_001127511.3); c.6591A>G, p.Lys2197= (NM_001354896.2); c.6567A>G, p.Lys2189= (NM_001354897.2); c.6462A>G, p.Lys2154= (NM_001354898.2); c.6453A>G, p.Lys2151= (NM_001354899.2); c.6414A>G, p.Lys2138= (NM_001354900.2); c.6360A>G, p.Lys2120= (NM_001354901.2); and 5 more.
Identifiers: ClinVar variation 1089233 (VCV001089233.13), dbSNP rs775795102, ClinGen allele CA045272.